The following is an entry in ClinVar:

ClinVar aggregate classification (germline): Pathogenic (1 of 4 stars; one submission).

Conditions:
Primary hyperoxaluria, type I (HP1). Also called: GLYCOLIC ACIDURIA; HEPATIC AGT DEFICIENCY; OXALOSIS I; Primary hyperoxaluria type 1. Identifiers: Orphanet 416, Orphanet 93598, MedGen C0268164, MONDO:0009823, OMIM 259900. Disease mechanism: loss of function.

Submission:

Myriad Genetics, Inc.
Classification: Pathogenic for Primary hyperoxaluria, type I. Last evaluated: 2023-08-29. Review status: criteria provided, single submitter. Criteria: Myriad Autosomal Dominant, Autosomal Recessive and X-Linked Classification Criteria (2023). Collection method: clinical testing. Allele origin: unknown.
Comment: NM_000030.2(AGXT):c.897_898insAA(G300Kfs*13) is expected to be pathogenic in the context of primary hyperoxaluria type 1. This variant is predicted to lead to an abnormal or absent protein product due to the creation of a premature termination codon in AGXT, a gene where loss-of-function variants are known to be pathogenic. Please note: this variant was assessed in the context of healthy population screening.

NM_000030.3(AGXT):c.897_898insAA (p.Gly300fs)

Gene: AGXT (alanine--glyoxylate aminotransferase; plus strand). Cytogenetic location: 2q37.3.
Variant type: Insertion.
Coding change: c.897_898insAA on transcript NM_000030.3 (MANE Select); coding-DNA positions 897 to 898, AA inserted.
Protein change: p.Gly300fs; shifts the reading frame from glycine 300.
Molecular consequence: frameshift variant.
Genome position: GRCh38 VCF-style: chr2-240877587-T-TAA. GRCh37 (hg19) VCF-style: chr2-241817004-T-TAA.
Other names: short protein forms G300fs.
Identifiers: ClinVar variation 5011486 (VCV005011486.1).